The following is an entry in ClinVar:

NM_002386.4(MC1R):c.583TTC[1] (p.Phe196del)

Gene: MC1R (melanocortin 1 receptor; plus strand). Cytogenetic location: 16q24.3.
Variant type: Microsatellite.
Coding change: c.583TTC[1] on transcript NM_002386.4 (MANE Select); one copy of the 3-base unit TTC starting at c.583; the reference has two copies in a row; one copy, 3 bases deleted; also written c.586_588del.
Protein change: p.Phe196del; deletes phenylalanine 196.
Genome position (GRCh38, 1-based): chr16:89,919,844-89,919,846, TTC deleted; deleting any 3 consecutive bases within chr16:89,919,839-89,919,846 gives the same sequence; the position shown is the placement nearest the transcript's 3' end. VCF-style (leftmost placement, unchanged base first): chr16-89919838-GTCT-G. GRCh37 (hg19) VCF-style: chr16-89986246-GTCT-G.
Other names: c.586_588del (NM_002386.4); short protein forms F196del.
Identifiers: ClinVar variation 4075379 (VCV004075379.1).

ClinVar aggregate classification (germline): Uncertain significance (1 of 4 stars; one submission).

Conditions:
SKIN/HAIR/EYE PIGMENTATION, VARIATION IN, 2 (SHEP2). Also called: BLOND HAIR/FAIR SKIN; HAIR COLOR 2; RED HAIR COLOR. Identifiers: MedGen C1849452, OMIM 266300.

Submission:

Kasturba Medical College, Manipal, Kasturba Medical College, Manipal, Manipal Academy of Higher Education, Manipal, India
Classification: Uncertain significance for SKIN/HAIR/EYE PIGMENTATION, VARIATION IN, 2. Review status: criteria provided, single submitter. Criteria: ACMG Guidelines, 2015. Collection method: research. Allele origin: biparental. Inheritance: Autosomal recessive inheritance. Affected: yes. Observed: 1 homozygote.
Comment: A novel in-frame deletion variant, c.586_588del; This variant is reported in 19 individuals in heterozygous state and absent in homozygous state in gnomAD (v4.1.0). This variant was reported in one individual in the heterozygous state and absent in homozygous state in our in-house database of 3551 exomes. In silico analysis tools such as mutPred-Indel predict this variant to be potentially damaging.